The following is an entry in ClinVar:

ClinVar aggregate classification (germline): Conflicting classifications of pathogenicity. Review status: criteria provided, conflicting classifications (1 of 4 stars). 2 submissions from 2 submitters: Uncertain significance (1); Likely benign (1). Last evaluated 2024-08-14.

Conditions:
Inborn genetic diseases. Identifiers: MedGen C0950123, MeSH D030342.

gnomAD v4.1: 146 of 1,598,814 alleles (0.0091%); highest among the groups gnomAD compares: Non-Finnish European, 0.012%; no homozygotes.

Submissions (2):

Ambry Genetics
Classification: Uncertain significance for Inborn genetic diseases. Last evaluated: 2024-08-14. Review status: criteria provided, single submitter. Criteria: Ambry Variant Classification Scheme 2023. Collection method: clinical testing. Allele origin: germline.

CeGaT Center for Human Genetics Tuebingen
Classification: Likely benign. Last evaluated: 2023-04-01. Review status: criteria provided, single submitter. Criteria: CeGaT Center For Human Genetics Tuebingen Variant Classification Criteria Version 2. Collection method: clinical testing. Allele origin: germline. Affected: yes. Observed: 2 variant alleles.
Comment: MYH14: BP5

NM_001145809.2(MYH14):c.5030G>T (p.Arg1677Leu)

Gene: MYH14 (myosin heavy chain 14; plus strand). Cytogenetic location: 19q13.33.
Variant type: single nucleotide variant.
Coding change: c.5030G>T on transcript NM_001145809.2 (MANE Select); coding-DNA position 5030, G replaced by T.
Protein change: p.Arg1677Leu; replaces arginine 1677 with leucine.
Molecular consequence: missense variant.
Genome position (GRCh38, 1-based): chr19:50,290,951, G>T. VCF-style: chr19-50290951-G-T. GRCh37 (hg19) VCF-style: chr19-50794208-G-T.
Other names: c.4931G>T, p.Arg1644Leu (NM_001077186.2); c.4907G>T, p.Arg1636Leu (NM_024729.4); c.4907G>T (NM_024729.3); short protein forms R1636L, R1644L, R1677L.
Identifiers: ClinVar variation 1694936 (VCV001694936.32), dbSNP rs377399732, ClinGen allele CA9593672.